The following is an entry in ClinVar:

NM_004655.4(AXIN2):c.1980C>T (p.His660=)

Gene: AXIN2 (axin 2; minus strand). Cytogenetic location: 17q24.1.
Variant type: single nucleotide variant.
Coding change: c.1980C>T on transcript NM_004655.4 (MANE Select); coding-DNA position 1980, C replaced by T.
Protein change: p.His660=; no amino-acid change (histidine 660 retained).
Molecular consequence: synonymous variant.
Genome position (GRCh38, 1-based): chr17:65,536,481, G>A on the plus strand (C>T on the coding strand, the complement: AXIN2 is on the minus strand). VCF-style: chr17-65536481-G-A. GRCh37 (hg19) VCF-style: chr17-63532599-G-A.
Other names: c.1785C>T, p.His595= (NM_001363813.1).
Identifiers: ClinVar variation 706709 (VCV000706709.11), dbSNP rs1598097031, ClinGen allele CA501690975.

ClinVar aggregate classification (germline): Benign/Likely benign. Review status: criteria provided, multiple submitters, no conflicts (2 of 4 stars). 3 submissions from 3 submitters: Benign (1); Likely benign (2). Last evaluated 2025-12-13.

Conditions:
Oligodontia-cancer predisposition syndrome. Also called: TOOTH AGENESIS-COLORECTAL CANCER SYNDROME. Identifiers: Orphanet 300576, MedGen C1837750, MONDO:0012075, OMIM 608615. Disease mechanism: loss of function.
Hereditary cancer-predisposing syndrome. Also called: Neoplastic Syndromes, Hereditary; Hereditary Cancer Syndrome; Tumor predisposition; Hereditary neoplastic syndrome. Identifiers: Orphanet 140162, MedGen C0027672, MeSH D009386, MONDO:0015356.

Submissions (3):

Labcorp Genetics (formerly Invitae), Labcorp
Classification: Likely benign for Oligodontia-cancer predisposition syndrome. Last evaluated: 2025-12-13. Review status: criteria provided, single submitter. Criteria: Invitae Variant Classification Sherloc (09022015). Collection method: clinical testing. Allele origin: germline.

Myriad Genetics, Inc.
Classification: Benign for Oligodontia-cancer predisposition syndrome. Last evaluated: 2024-07-09. Review status: criteria provided, single submitter. Criteria: Myriad Autosomal Dominant, Autosomal Recessive and X-Linked Classification Criteria (2023). Collection method: clinical testing. Allele origin: unknown.
Comment: This variant is considered benign. This variant is a silent/synonymous amino acid change and it is not expected to impact splicing.

Ambry Genetics
Classification: Likely benign for Hereditary cancer-predisposing syndrome. Last evaluated: 2021-06-01. Review status: criteria provided, single submitter. Criteria: Ambry Variant Classification Scheme 2023. Collection method: clinical testing. Allele origin: germline.